The following is an entry in ClinVar:

NM_001367624.2(ZNF469):c.2966_3012del (p.Arg989fs)

Gene: ZNF469 (zinc finger protein 469; plus strand). Cytogenetic location: 16q24.2.
Variant type: Deletion.
Coding change: c.2966_3012del on transcript NM_001367624.2 (MANE Select); coding-DNA positions 2966 to 3012, 47 bases deleted.
Protein change: p.Arg989fs; shifts the reading frame from arginine 989.
Molecular consequence: frameshift variant.
Genome position (GRCh38, 1-based): chr16:88,430,436-88,430,482, 47 bases deleted; deleting any 47 consecutive bases within chr16:88,430,430-88,430,482 gives the same sequence; the c. name uses the placement nearest the transcript's 3' end. GRCh37 (hg19): chr16:88,496,844-88,496,890.
Other names: NM_001127464.1:c.2966_3012del47; short protein forms R989fs.
Identifiers: ClinVar variation 817481 (VCV000817481.2), dbSNP rs1906069048, ClinGen allele CA1139664878.

ClinVar aggregate classification (germline): Likely pathogenic (1 of 4 stars; one submission).

Submission:

GeneDx
Classification: Likely pathogenic. Last evaluated: 2019-10-31. Review status: criteria provided, single submitter. Criteria: GeneDx Variant Classification Process June 2021. Collection method: clinical testing. Allele origin: germline. Affected: yes.
Comment: Frameshift variant in the C-terminus predicted to result in protein truncation, as the last 2937 amino acids are lost and replaced with 101 incorrect amino acids; Not observed in large population cohorts (Lek et al., 2016); Has not been previously published as pathogenic or benign to our knowledge